The following is an entry in ClinVar:

NM_001130438.3(SPTAN1):c.1834C>T (p.Gln612Ter)

Gene: SPTAN1 (spectrin alpha, non-erythrocytic 1; plus strand). Cytogenetic location: 9q34.11.
Variant type: single nucleotide variant.
Coding change: c.1834C>T on transcript NM_001130438.3 (MANE Select); coding-DNA position 1834, C replaced by T.
Protein change: p.Gln612Ter; replaces glutamine 612 with a stop codon.
Molecular consequence: nonsense.
Genome position (GRCh38, 1-based): chr9:128,583,104, C>T. VCF-style: chr9-128583104-C-T. GRCh37 (hg19) VCF-style: chr9-131345383-C-T.
Other names: c.1834C>T, p.Gln612Ter (NM_001195532.2, NM_001363759.2, NM_001363765.2 and 5 more transcripts); c.1870C>T, p.Gln624Ter (NM_001375312.2, NM_001375318.1); short protein forms Q612*, Q624*.
Identifiers: ClinVar variation 839336 (VCV000839336.8), dbSNP rs1852152679, ClinGen allele CA375055531.

ClinVar aggregate classification (germline): Pathogenic (1 of 4 stars; one submission).

Conditions:
Early-infantile DEE. Also called: Ohtahara syndrome; Early infantile epileptic encephalopathy with suppression bursts; Early infantile epileptic encephalopathy. Identifiers: Orphanet 1934, MedGen C0393706, MONDO:0800491.

Submission:

Labcorp Genetics (formerly Invitae), Labcorp
Classification: Pathogenic for Early-infantile DEE. Last evaluated: 2021-01-04. Review status: criteria provided, single submitter. Criteria: Invitae Variant Classification Sherloc (09022015). Collection method: clinical testing. Allele origin: germline.
Comment: For these reasons, this variant has been classified as Pathogenic. This variant has not been reported in the literature in individuals with SPTAN1-related conditions. ClinVar contains an entry for this variant (Variation ID: 839336). This variant is not present in population databases (ExAC no frequency). This sequence change creates a premature translational stop signal (p.Gln612*) in the SPTAN1 gene. It is expected to result in an absent or disrupted protein product. Loss-of-function variants in SPTAN1 are known to be pathogenic (PMID: 31332438, 33206935).

Literature cited by the submitters: PubMed 31332438; PubMed 33206935.